The following is an entry in ClinVar:

ClinVar aggregate classification (germline): Benign/Likely benign. Review status: criteria provided, multiple submitters, no conflicts (2 of 4 stars). 15 submissions from 15 submitters: Benign (3); Likely benign (10). 2 of the submissions do not count toward it. Last evaluated 2026-03-01.

Conditions:
NBN-related disorder. Also called: NBN-related condition.
Microcephaly, normal intelligence and immunodeficiency (NBS). Also called: Nijmegen breakage syndrome; BERLIN BREAKAGE SYNDROME; Ataxia telangiectasia variant V1; SEEMANOVA SYNDROME II; IMMUNODEFICIENCY, MICROCEPHALY, AND CHROMOSOMAL INSTABILITY; Immunodeficiency, microcephaly with normal intelligence. Identifiers: Orphanet 647, MedGen C0398791, MONDO:0009623, OMIM 251260.
Acute lymphoid leukemia (ALL). Also called: Leukemia, acute lymphoblastic, somatic; Lymphoblastic leukemia; Acute lymphoblastic leukemia; Acute lymphocytic leukemia. Identifiers: Orphanet 513, MedGen C0023449, MONDO:0004967, OMIM 613065, HP:0006721.
Aplastic anemia. Identifiers: Orphanet 182040, Orphanet 88, MedGen C0002874, MONDO:0015909, OMIM 609135, HP:0001915.
Hereditary cancer-predisposing syndrome. Also called: Tumor predisposition; Hereditary neoplastic syndrome; Hereditary Cancer Syndrome; Neoplastic Syndromes, Hereditary. Identifiers: Orphanet 140162, MedGen C0027672, MeSH D009386, MONDO:0015356.

Allele frequency attached by ClinVar (database versions not stated): TOPMed 0.00010; ESP Exome Variant Server 0.00015; gnomAD 0.00015 and 0.00016; gnomAD exomes 0.00015 and 0.00016; ExAC 0.00018.
gnomAD v4.1: 234 of 1,612,632 alleles (0.015%); highest among the groups gnomAD compares: Non-Finnish European, 0.018%; no homozygotes.

Submissions (15):

CeGaT Center for Human Genetics Tuebingen
Classification: Likely benign. Last evaluated: 2026-03-01. Review status: criteria provided, single submitter. Criteria: CeGaT Center For Human Genetics Tuebingen Variant Classification Criteria Version 2. Collection method: clinical testing. Allele origin: germline. Affected: yes. Observed: 10 variant alleles.
Comment: NBN: BP4, BP7

Labcorp Genetics (formerly Invitae), Labcorp
Classification: Likely benign for Microcephaly, normal intelligence and immunodeficiency. Last evaluated: 2026-01-26. Review status: criteria provided, single submitter. Criteria: Invitae Variant Classification Sherloc (09022015). Collection method: clinical testing. Allele origin: germline.

Hereditary Cancer Laboratory, Hospital Universitario 12 de Octubre
Classification: Likely benign for Hereditary cancer-predisposing syndrome. Last evaluated: 2025-04-14. Review status: criteria provided, single submitter. Criteria: ACMG Guidelines, 2015. Collection method: clinical testing. Allele origin: germline.

Laboratory of Genetics, Children's Clinical University Hospital Latvia
Classification: Benign. Last evaluated: 2025-02-16. Review status: criteria provided, single submitter. Criteria: ACMG Guidelines, 2015. Collection method: clinical testing. Allele origin: germline. Affected: yes.

Blueprint Genetics
Classification: Likely benign. Last evaluated: 2024-10-21. Review status: criteria provided, single submitter. Criteria: ACMG Guidelines, 2015. Collection method: clinical testing. Allele origin: germline.

Institute for Biomarker Research, Medical Diagnostic Laboratories, L.L.C.
Classification: Likely benign for Hereditary cancer-predisposing syndrome. Last evaluated: 2023-11-14. Review status: criteria provided, single submitter. Criteria: ACMG Guidelines, 2015. Collection method: clinical testing. Allele origin: germline.

Genome-Nilou Lab
Classification: Likely benign for Microcephaly, normal intelligence and immunodeficiency. Last evaluated: 2021-11-07. Review status: criteria provided, single submitter. Criteria: ACMG Guidelines, 2015. Collection method: clinical testing. Allele origin: germline. Affected: no.

Sema4
Classification: Likely benign for Hereditary cancer-predisposing syndrome. Last evaluated: 2021-08-16. Review status: criteria provided, single submitter. Criteria: Sema4 Curation Guidelines. Collection method: curation. Allele origin: germline.

Quest Diagnostics Nichols Institute San Juan Capistrano
Classification: Benign. Last evaluated: 2021-05-28. Review status: criteria provided, single submitter. Criteria: Quest Diagnostics criteria. Collection method: clinical testing. Allele origin: unknown.

Women's Health and Genetics/Laboratory Corporation of America, LabCorp
Classification: Likely benign. Last evaluated: 2020-12-17. Review status: criteria provided, single submitter. Criteria: LabCorp Variant Classification Summary - May 2015. Collection method: clinical testing. Allele origin: germline.

Department of Pathology and Laboratory Medicine, Sinai Health System
Classification: Likely benign for Microcephaly, normal intelligence and immunodeficiency; Aplastic anemia; Acute lymphoid leukemia. Last evaluated: 2020-08-11. Review status: criteria provided, single submitter. Criteria: ACMG Guidelines, 2015. Collection method: clinical testing. Allele origin: germline. Affected: yes.

Ambry Genetics
Classification: Likely benign for Hereditary cancer-predisposing syndrome. Last evaluated: 2014-10-09. Review status: criteria provided, single submitter. Criteria: Ambry Variant Classification Scheme 2023. Collection method: clinical testing. Allele origin: germline.

GeneDx
Classification: Benign. Last evaluated: 2014-09-10. Review status: criteria provided, single submitter. Criteria: GeneDx Variant Classification (06012015). Collection method: clinical testing. Allele origin: germline. Affected: yes.
Comment: This variant is considered likely benign or benign based on one or more of the following criteria: it is a conservative change, it occurs at a poorly conserved position in the protein, it is predicted to be benign by multiple in silico algorithms, and/or has population frequency not consistent with disease.

Natera, Inc.
Classification: Likely benign for Nijmegen breakage syndrome. Last evaluated: 2020-01-27. Review status: no assertion criteria provided. Collection method: clinical testing. Allele origin: germline. Not counted in ClinVar's aggregate classification.

PreventionGenetics, part of Exact Sciences
Classification: Likely benign for NBN-related condition. Last evaluated: 2020-01-27. Review status: no assertion criteria provided. Collection method: clinical testing. Allele origin: germline. Not counted in ClinVar's aggregate classification.
Comment: This variant is classified as likely benign based on ACMG/AMP sequence variant interpretation guidelines (Richards et al. 2015 PMID: 25741868, with internal and published modifications).

Literature cited by the submitters: PubMed 17894553 (cited by Quest Diagnostics Nichols Institute San Juan Capistrano and Women's Health and Genetics/Laboratory Corporation of America, LabCorp).

NM_002485.5(NBN):c.2202A>G (p.Ala734=)

Gene: NBN (nibrin; minus strand). Cytogenetic location: 8q21.3.
Variant type: single nucleotide variant.
Coding change: c.2202A>G on transcript NM_002485.5 (MANE Select); coding-DNA position 2202, A replaced by G.
Protein change: p.Ala734=; no amino-acid change (alanine 734 retained).
Molecular consequence: synonymous variant.
Genome position (GRCh38, 1-based): chr8:89,937,058, T>C on the plus strand (A>G on the coding strand, the complement: NBN is on the minus strand). VCF-style: chr8-89937058-T-C. GRCh37 (hg19) VCF-style: chr8-90949286-T-C.
Other names: p.A734A:GCA>GCG; c.1956A>G, p.Ala652= (NM_001024688.3).
Identifiers: ClinVar variation 136042 (VCV000136042.75), dbSNP rs200452212, ClinGen allele CA299584.